The following is an entry in ClinVar:

NM_032776.3(JMJD1C):c.3018G>C (p.Arg1006Ser)

Gene: JMJD1C (jumonji domain containing 1C; minus strand). Cytogenetic location: 10q21.3.
Variant type: single nucleotide variant.
Coding change: c.3018G>C on transcript NM_032776.3 (MANE Select); coding-DNA position 3018, G replaced by C.
Protein change: p.Arg1006Ser; replaces arginine 1006 with serine.
Molecular consequence: missense variant. On other transcripts: non-coding transcript variant (1).
Genome position (GRCh38, 1-based): chr10:63,208,651, C>G on the plus strand (G>C on the coding strand, the complement: JMJD1C is on the minus strand). VCF-style: chr10-63208651-C-G. GRCh37 (hg19) VCF-style: chr10-64968411-C-G.
Other names: c.2472G>C, p.Arg824Ser (NM_001282948.2, NM_001318154.2); c.2154G>C, p.Arg718Ser (NM_001318153.2); c.2904G>C, p.Arg968Ser (NM_001322252.2); c.2361G>C, p.Arg787Ser (NM_001322254.2, NM_001322258.2); short protein forms R824S, R968S, R718S, R787S, R1006S.
Identifiers: ClinVar variation 1392656 (VCV001392656.6), dbSNP rs2133164086, ClinGen allele CA377043025.

ClinVar aggregate classification (germline): Uncertain significance (1 of 4 stars; one submission).

Conditions:
Early Myoclonic Encephalopathy. Identifiers: MedGen C0270855.

Submission:

Labcorp Genetics (formerly Invitae), Labcorp
Classification: Uncertain significance for Early Myoclonic Encephalopathy. Last evaluated: 2021-11-11. Review status: criteria provided, single submitter. Criteria: Invitae Variant Classification Sherloc (09022015). Collection method: clinical testing. Allele origin: germline.
Comment: In summary, the available evidence is currently insufficient to determine the role of this variant in disease. Therefore, it has been classified as a Variant of Uncertain Significance. Algorithms developed to predict the effect of missense changes on protein structure and function are either unavailable or do not agree on the potential impact of this missense change (SIFT: "Deleterious"; PolyPhen-2: "Possibly Damaging"; Align-GVGD: "Class C0"). This variant has not been reported in the literature in individuals affected with JMJD1C-related conditions. This variant is not present in population databases (gnomAD no frequency). This sequence change replaces arginine, which is basic and polar, with serine, which is neutral and polar, at codon 1006 of the JMJD1C protein (p.Arg1006Ser).